The following is an entry in ClinVar:

NM_001282531.3(ADNP):c.2747T>C (p.Ile916Thr)

Gene: ADNP (activity dependent neuroprotector homeobox; minus strand). Cytogenetic location: 20q13.13.
Variant type: single nucleotide variant.
Coding change: c.2747T>C on transcript NM_001282531.3 (MANE Select); coding-DNA position 2747, T replaced by C.
Protein change: p.Ile916Thr; replaces isoleucine 916 with threonine.
Molecular consequence: missense variant.
Genome position (GRCh38, 1-based): chr20:50,891,967, A>G on the plus strand (T>C on the coding strand, the complement: ADNP is on the minus strand). VCF-style: chr20-50891967-A-G. GRCh37 (hg19) VCF-style: chr20-49508504-A-G.
Other names: c.2747T>C (NM_015339.2); c.2747T>C, p.Ile916Thr (NM_001282532.2, NM_001347511.2, NM_015339.5 and 1 more transcripts); short protein forms I916T.
Identifiers: ClinVar variation 1978412 (VCV001978412.5), dbSNP rs375071944, ClinGen allele CA9908528.
Genomic context (GRCh38, chr20:50,891,967, plus strand): 5'-TATTTTGAACCATCCTCTTTTTGGTCTAGCTTCTCCTCAGATTCTGAAGCATCCTCAGGA[A>G]TTACCTTCAGTACATGTTCCTCTGGGTTATCGTTAGAGATTTTAGGTTCAACTTCAAAAA-3'
Protein context (NP_001269460.1, residues 906-926): DNPEEHVLKV[Ile916Thr]PEDASESEEK

ClinVar aggregate classification (germline): Conflicting classifications of pathogenicity. Review status: criteria provided, conflicting classifications (1 of 4 stars). 2 submissions from 2 submitters: Uncertain significance (1); Likely benign (1). Last evaluated 2024-04-27.

Conditions:
Inborn genetic diseases. Identifiers: MedGen C0950123, MeSH D030342.

Allele frequency attached by ClinVar (database versions not stated): TOPMed below 0.00001; gnomAD 0.00001; ExAC 0.00002; ESP Exome Variant Server 0.00015.
gnomAD v4.1: 26 of 1,614,094 alleles (0.0016%); highest among the groups gnomAD compares: Non-Finnish European, 0.002%; no homozygotes.

Submissions (2):

Ambry Genetics
Classification: Likely benign for Inborn genetic diseases. Last evaluated: 2024-04-27. Review status: criteria provided, single submitter. Criteria: Ambry Variant Classification Scheme 2023. Collection method: clinical testing. Allele origin: germline.

Labcorp Genetics (formerly Invitae), Labcorp
Classification: Uncertain significance. Last evaluated: 2023-01-15. Review status: criteria provided, single submitter. Criteria: Invitae Variant Classification Sherloc (09022015). Collection method: clinical testing. Allele origin: germline.
Comment: This sequence change replaces isoleucine, which is neutral and non-polar, with threonine, which is neutral and polar, at codon 916 of the ADNP protein (p.Ile916Thr). In summary, the available evidence is currently insufficient to determine the role of this variant in disease. Therefore, it has been classified as a Variant of Uncertain Significance. Algorithms developed to predict the effect of missense changes on protein structure and function output the following: SIFT: "Not Available"; PolyPhen-2: "Benign"; Align-GVGD: "Not Available". The threonine amino acid residue is found in multiple mammalian species, which suggests that this missense change does not adversely affect protein function. This variant has not been reported in the literature in individuals affected with ADNP-related conditions. This variant is present in population databases (rs375071944, gnomAD 0.005%).